The following is an entry in ClinVar:

NM_153717.3(EVC):c.1099-1G>A

Gene: EVC (EvC ciliary complex subunit 1; plus strand). Cytogenetic location: 4p16.2.
Variant type: single nucleotide variant.
Coding change: c.1099-1G>A on transcript NM_153717.3 (MANE Select); the canonical splice acceptor site of the intron before coding-DNA position 1099, G replaced by A.
Molecular consequence: splice acceptor variant.
Genome position (GRCh38, 1-based): chr4:5,752,835, G>A. VCF-style: chr4-5752835-G-A. GRCh37 (hg19) VCF-style: chr4-5754562-G-A.
Other names: c.1099-1G>A (NM_001306090.2, NM_001306092.2).
Identifiers: ClinVar variation 2012129 (VCV002012129.4), dbSNP rs2475378269, ClinGen allele CA356153234.
Genomic context (GRCh38, chr4:5,752,835, plus strand): 5'-TAACATGCCCTGGTGGTTCCCAGGACACCCCAGCTATGGTCCTGTGTGTTTCTTTTTGCA[G>A]GACGCCCTGGAGAGGACGATGGGGCGGGCGCACATGGCAAAAGTGATTGAGTTTCTGAAG-3'

ClinVar aggregate classification (germline): Likely pathogenic (1 of 4 stars; one submission).

Conditions:
Ellis-van Creveld syndrome (EVC). Also called: EVC-Related Ellis-van Creveld Syndrome; EVC2-Related Ellis-van Creveld Syndrome; MESOECTODERMAL DYSPLASIA; Chondroectodermal dysplasia. Identifiers: Orphanet 289, MedGen C0013903, MONDO:0009162, OMIM 225500.
Curry-Hall syndrome (WAD). Also called: WEYERS ACRODENTAL DYSOSTOSIS. Identifiers: Orphanet 952, MedGen C0457013, MONDO:0008673, OMIM 193530.

Submission:

Labcorp Genetics (formerly Invitae), Labcorp
Classification: Likely pathogenic for Curry-Hall syndrome; Ellis-van Creveld syndrome. Last evaluated: 2022-07-07. Review status: criteria provided, single submitter. Criteria: Invitae Variant Classification Sherloc (09022015). Collection method: clinical testing. Allele origin: germline.
Comment: This sequence change affects an acceptor splice site in intron 8 of the EVC gene. It is expected to disrupt RNA splicing. Variants that disrupt the donor or acceptor splice site typically lead to a loss of protein function (PMID: 16199547), and loss-of-function variants in EVC are known to be pathogenic (PMID: 23220543). In summary, the currently available evidence indicates that the variant is pathogenic, but additional data are needed to prove that conclusively. Therefore, this variant has been classified as Likely Pathogenic. Algorithms developed to predict the effect of sequence changes on RNA splicing suggest that this variant may disrupt the consensus splice site. This variant has not been reported in the literature in individuals affected with EVC-related conditions. This variant is not present in population databases (gnomAD no frequency).

Literature cited by the submitters: PubMed 16199547; PubMed 23220543.